The following is an entry in ClinVar:

NM_000360.4(TH):c.1219C>G (p.Pro407Ala)

Gene: TH (tyrosine hydroxylase; minus strand). Cytogenetic location: 11p15.5.
Variant type: single nucleotide variant.
Coding change: c.1219C>G on transcript NM_000360.4 (MANE Select); coding-DNA position 1219, C replaced by G.
Protein change: p.Pro407Ala; replaces proline 407 with alanine.
Molecular consequence: missense variant.
Genome position (GRCh38, 1-based): chr11:2,165,347, G>C on the plus strand (C>G on the coding strand, the complement: TH is on the minus strand). VCF-style: chr11-2165347-G-C. GRCh37 (hg19) VCF-style: chr11-2186577-G-C.
Other names: c.1312C>G, p.Pro438Ala (NM_199292.3); c.1300C>G, p.Pro434Ala (NM_199293.3); short protein forms P434A, P438A, P407A.
Identifiers: ClinVar variation 2126579 (VCV002126579.4), dbSNP rs564277874, ClinGen allele CA5818330.

ClinVar aggregate classification (germline): Uncertain significance (1 of 4 stars; one submission).

Conditions:
TH-deficient dopa-responsive dystonia. Also called: Tyrosine Hydroxylase-Deficient Dopa-Responsive Dystonia; Segawa syndrome, autosomal recessive; DYT-TH. Identifiers: Orphanet 101150, MedGen C2673535, MONDO:0011551, OMIM 605407.

Allele frequency attached by ClinVar (database versions not stated): gnomAD 0.00001; 1000 Genomes Project 30x 0.00016; 1000 Genomes Project 0.00020; ExAC 0.00001.
gnomAD v4.1: 1 of 1,611,474 alleles (0.000062%); highest among the groups gnomAD compares: African/African-American, 0.0013%; no homozygotes.

Submission:

Labcorp Genetics (formerly Invitae), Labcorp
Classification: Uncertain significance for TH-deficient dopa-responsive dystonia. Last evaluated: 2022-04-15. Review status: criteria provided, single submitter. Criteria: Invitae Variant Classification Sherloc (09022015). Collection method: clinical testing. Allele origin: germline.
Comment: In summary, the available evidence is currently insufficient to determine the role of this variant in disease. Therefore, it has been classified as a Variant of Uncertain Significance. Algorithms developed to predict the effect of missense changes on protein structure and function output the following: SIFT: "Deleterious"; PolyPhen-2: "Probably Damaging"; Align-GVGD: "Class C25". The alanine amino acid residue is found in multiple mammalian species, which suggests that this missense change does not adversely affect protein function. This variant has not been reported in the literature in individuals affected with TH-related conditions. This variant is present in population databases (rs564277874, gnomAD 0.007%). This sequence change replaces proline, which is neutral and non-polar, with alanine, which is neutral and non-polar, at codon 438 of the TH protein (p.Pro438Ala).